The following is an entry in ClinVar:

ClinVar aggregate classification (germline): Conflicting classifications of pathogenicity. Review status: criteria provided, conflicting classifications (1 of 4 stars). 3 submissions from 3 submitters: Uncertain significance (1); Likely benign (1). 1 of the submissions does not count toward it. Last evaluated 2025-03-19.

Conditions:
COQ8A-related disorder. Also called: COQ8A-related condition.

Allele frequency attached by ClinVar (database versions not stated): ExAC 0.00017; ESP Exome Variant Server 0.00032; TOPMed 0.00014; gnomAD 0.00016.
gnomAD v4.1: 54 of 1,554,896 alleles (0.0035%); highest among the groups gnomAD compares: African/African-American, 0.045%; no homozygotes.

Submissions (3):

Labcorp Genetics (formerly Invitae), Labcorp
Classification: Likely benign. Last evaluated: 2025-03-19. Review status: criteria provided, single submitter. Criteria: Invitae Variant Classification Sherloc (09022015). Collection method: clinical testing. Allele origin: germline.

Athena Diagnostics
Classification: Uncertain significance. Last evaluated: 2016-12-31. Review status: criteria provided, single submitter. Criteria: Athena Diagnostics Criteria. Collection method: clinical testing. Allele origin: germline.

PreventionGenetics, part of Exact Sciences
Classification: Likely benign for COQ8A-related condition. Last evaluated: 2019-05-20. Review status: no assertion criteria provided. Collection method: clinical testing. Allele origin: germline. Not counted in ClinVar's aggregate classification.
Comment: This variant is classified as likely benign based on ACMG/AMP sequence variant interpretation guidelines (Richards et al. 2015 PMID: 25741868, with internal and published modifications).

NM_020247.5(COQ8A):c.730+7C>T

Gene: COQ8A (coenzyme Q8A; plus strand). Cytogenetic location: 1q42.13.
Variant type: single nucleotide variant.
Coding change: c.730+7C>T on transcript NM_020247.5 (MANE Select); 7 bases into the intron after coding-DNA position 730, C replaced by T.
Molecular consequence: intron variant.
Genome position (GRCh38, 1-based): chr1:226,977,530, C>T. VCF-style: chr1-226977530-C-T. GRCh37 (hg19) VCF-style: chr1-227165231-C-T.
Identifiers: ClinVar variation 446803 (VCV000446803.11), dbSNP rs370924314, ClinGen allele CA1425114.